The following is an entry in ClinVar:

NM_152383.5(DIS3L2):c.2119G>A (p.Ala707Thr)

Gene: DIS3L2 (DIS3 like 3'-5' exoribonuclease 2; plus strand). Cytogenetic location: 2q37.1.
Variant type: single nucleotide variant.
Coding change: c.2119G>A on transcript NM_152383.5 (MANE Select); coding-DNA position 2119, G replaced by A.
Protein change: p.Ala707Thr; replaces alanine 707 with threonine.
Molecular consequence: missense variant. On other transcripts: non-coding transcript variant (2), intron variant (1).
Genome position (GRCh38, 1-based): chr2:232,333,948, G>A. VCF-style: chr2-232333948-G-A. GRCh37 (hg19) VCF-style: chr2-233198658-G-A.
Other names: c.1582-9397G>A (NM_001257281.2); short protein forms A707T.
Identifiers: ClinVar variation 653216 (VCV000653216.8), dbSNP rs1575027328, ClinGen allele CA350977519.
Genomic context (GRCh38, chr2:232,333,948, plus strand): 5'-CGGCACTACGCGCTCAATGTGCCCCTGTACACACACTTCACCTCGCCCATCCGCCGCTTT[G>A]CCGACGTCCTGGTGCACCGCCTCCTGGCTGCCGCGTTAGGTGAGGGGTGCAGTCGGGGTC-3'
Protein context (NP_689596.4, residues 697-717): THFTSPIRRF[Ala707Thr]DVLVHRLLAA

ClinVar aggregate classification (germline): Uncertain significance (1 of 4 stars; one submission).

Conditions:
Perlman syndrome (PRLMNS). Identifiers: Orphanet 2849, MedGen C0796113, MONDO:0009965, OMIM 267000.

Submission:

Labcorp Genetics (formerly Invitae), Labcorp
Classification: Uncertain significance for Perlman syndrome. Last evaluated: 2023-11-17. Review status: criteria provided, single submitter. Criteria: Invitae Variant Classification Sherloc (09022015). Collection method: clinical testing. Allele origin: germline.
Comment: This sequence change replaces alanine, which is neutral and non-polar, with threonine, which is neutral and polar, at codon 707 of the DIS3L2 protein (p.Ala707Thr). This variant is not present in population databases (gnomAD no frequency). This variant has not been reported in the literature in individuals affected with DIS3L2-related conditions. ClinVar contains an entry for this variant (Variation ID: 653216). Advanced modeling of protein sequence and biophysical properties (such as structural, functional, and spatial information, amino acid conservation, physicochemical variation, residue mobility, and thermodynamic stability) has been performed at Invitae for this missense variant, however the output from this modeling did not meet the statistical confidence thresholds required to predict the impact of this variant on DIS3L2 protein function. In summary, the available evidence is currently insufficient to determine the role of this variant in disease. Therefore, it has been classified as a Variant of Uncertain Significance.